The following is an entry in ClinVar:

NM_000245.4(MET):c.4093T>C (p.Tyr1365His)

Gene: MET (MET proto-oncogene, receptor tyrosine kinase; plus strand). Cytogenetic location: 7q31.2.
Variant type: single nucleotide variant.
Coding change: c.4093T>C on transcript NM_000245.4 (MANE Select); coding-DNA position 4093, T replaced by C.
Protein change: p.Tyr1365His; replaces tyrosine 1365 with histidine.
Molecular consequence: missense variant.
Genome position (GRCh38, 1-based): chr7:116,796,044, T>C. VCF-style: chr7-116796044-T-C. GRCh37 (hg19) VCF-style: chr7-116436098-T-C.
Other names: c.4147T>C, p.Tyr1383His (NM_001127500.3); c.2803T>C, p.Tyr935His (NM_001324402.2); short protein forms Y1383H, Y935H, Y1365H.
Identifiers: ClinVar variation 1738211 (VCV001738211.2), dbSNP rs2117112821, ClinGen allele CA369118380.

ClinVar aggregate classification (germline): Uncertain significance (1 of 4 stars; one submission).

Conditions:
Hereditary cancer-predisposing syndrome. Also called: Neoplastic Syndromes, Hereditary; Tumor predisposition; Hereditary Cancer Syndrome; Hereditary neoplastic syndrome. Identifiers: Orphanet 140162, MedGen C0027672, MeSH D009386, MONDO:0015356.

Allele frequency attached by ClinVar (database versions not stated): gnomAD exomes 0.00001.

Submission:

Ambry Genetics
Classification: Uncertain significance for Hereditary cancer-predisposing syndrome. Last evaluated: 2022-01-18. Review status: criteria provided, single submitter. Criteria: Ambry Variant Classification Scheme 2023. Collection method: clinical testing. Allele origin: germline.
Comment: The p.Y1383H variant (also known as c.4147T>C), located in coding exon 20 of the MET gene, results from a T to C substitution at nucleotide position 4147. The tyrosine at codon 1383 is replaced by histidine, an amino acid with similar properties. This amino acid position is conserved. In addition, the in silico prediction for this alteration is inconclusive. Since supporting evidence is limited at this time, the clinical significance of this alteration remains unclear.